The following is an entry in ClinVar:

NM_001968.5(EIF4E):c.18+10G>T

Gene: EIF4E (eukaryotic translation initiation factor 4E; minus strand). Cytogenetic location: 4q23.
Variant type: single nucleotide variant.
Coding change: c.18+10G>T on transcript NM_001968.5 (MANE Select); 10 bases into the intron after coding-DNA position 18, G replaced by T.
Molecular consequence: intron variant. On other transcripts: 5 prime UTR variant (1).
Genome position (GRCh38, 1-based): chr4:98,929,085, C>A on the plus strand (G>T on the coding strand, the complement: EIF4E is on the minus strand). VCF-style: chr4-98929085-C-A. GRCh37 (hg19) VCF-style: chr4-99850236-C-A.
Other names: c.-113G>T (NM_001130678.4); c.18+10G>T (NM_001130679.3); c.-181+10G>T (NM_001331017.2).
Identifiers: ClinVar variation 3057066 (VCV003057066.2), dbSNP rs777025316, ClinGen allele CA3017918.

ClinVar aggregate classification (germline): Likely benign (0 of 4 stars; one submission).

Conditions:
EIF4E-related disorder. Also called: EIF4E-related condition.

Allele frequency attached by ClinVar (database versions not stated): gnomAD 0.00001; gnomAD exomes 0.00001; TOPMed 0.00001; ExAC 0.00006.
gnomAD v4.1: 7 of 1,583,168 alleles (0.00044%); highest among the groups gnomAD compares: Admixed American, 0.012%; no homozygotes.

Submission:

PreventionGenetics, part of Exact Sciences
Classification: Likely benign for EIF4E-related condition. Last evaluated: 2019-04-29. Review status: no assertion criteria provided. Collection method: clinical testing. Allele origin: germline.
Comment: This variant is classified as likely benign based on ACMG/AMP sequence variant interpretation guidelines (Richards et al. 2015 PMID: 25741868, with internal and published modifications).